The following is an entry in ClinVar:

NM_012330.4(KAT6B):c.2219A>G (p.Gln740Arg)

Gene: KAT6B (lysine acetyltransferase 6B; plus strand). Cytogenetic location: 10q22.2.
Variant type: single nucleotide variant.
Coding change: c.2219A>G on transcript NM_012330.4 (MANE Select); coding-DNA position 2219, A replaced by G.
Protein change: p.Gln740Arg; replaces glutamine 740 with arginine.
Molecular consequence: missense variant. On other transcripts: intron variant (2).
Genome position (GRCh38, 1-based): chr10:74,979,327, A>G. VCF-style: chr10-74979327-A-G. GRCh37 (hg19) VCF-style: chr10-76739085-A-G.
Other names: c.1343A>G, p.Gln448Arg (NM_001370139.1, NM_001370140.1, NM_001370141.1 and 3 more transcripts); c.1154A>G, p.Gln385Arg (NM_001370143.1, NM_001370144.1); c.846+9552A>G (NM_001370133.1); c.193-9692A>G (NM_001370135.1); c.1670A>G, p.Gln557Arg (NM_001256468.2, NM_001370138.1); c.296A>G, p.Gln99Arg (NM_001370134.1); c.2219A>G, p.Gln740Arg (NM_001370136.1, NM_001370137.1); c.2219A>G (NM_012330.3); short protein forms Q448R, Q385R, Q557R, Q740R, Q99R.
Identifiers: ClinVar variation 3668302 (VCV003668302.3).

ClinVar aggregate classification (germline): Uncertain significance. Review status: criteria provided, multiple submitters, no conflicts (2 of 4 stars). 2 submissions from 2 submitters: Uncertain significance (2). Last evaluated 2025-12-22.

Conditions:
Genitopatellar syndrome (GTPTS). Also called: ABSENT PATELLAE, SCROTAL HYPOPLASIA, RENAL ANOMALIES, FACIAL DYSMORPHISM, AND MENTAL RETARDATION; Genitopatellar syndrome (GPS). Identifiers: Orphanet 85201, MedGen C1853566, MONDO:0011640, OMIM 606170.
KAT6B-related disorder. Also called: KAT6B-related disorders; KAT6B-related condition.

Submissions (2):

PreventionGenetics, part of Exact Sciences
Classification: Uncertain significance for KAT6B-related condition. Last evaluated: 2025-12-22. Review status: criteria provided, single submitter. Criteria: ACMG Guidelines, 2015. Collection method: clinical testing. Allele origin: germline.
Comment: The KAT6B c.2219A>G variant is predicted to result in the amino acid substitution p.Gln740Arg. To our knowledge, this variant has not been reported in the literature or in a large population database (gnomAD), indicating this variant is rare. At this time, the clinical significance of this variant is uncertain due to the absence of conclusive functional and genetic evidence.

Labcorp Genetics (formerly Invitae), Labcorp
Classification: Uncertain significance for Genitopatellar syndrome. Last evaluated: 2024-11-15. Review status: criteria provided, single submitter. Criteria: Invitae Variant Classification Sherloc (09022015). Collection method: clinical testing. Allele origin: germline.
Comment: This sequence change replaces glutamine, which is neutral and polar, with arginine, which is basic and polar, at codon 740 of the KAT6B protein (p.Gln740Arg). This variant is not present in population databases (gnomAD no frequency). This variant has not been reported in the literature in individuals affected with KAT6B-related conditions. Invitae Evidence Modeling of protein sequence and biophysical properties (such as structural, functional, and spatial information, amino acid conservation, physicochemical variation, residue mobility, and thermodynamic stability) has been performed for this missense variant. However, the output from this modeling did not meet the statistical confidence thresholds required to predict the impact of this variant on KAT6B protein function. In summary, the available evidence is currently insufficient to determine the role of this variant in disease. Therefore, it has been classified as a Variant of Uncertain Significance.